The following is an entry in ClinVar:

NM_001080779.2(MYO1C):c.2383G>A (p.Val795Ile)

Gene: MYO1C (myosin IC; minus strand). Cytogenetic location: 17p13.3.
Variant type: single nucleotide variant.
Coding change: c.2383G>A on transcript NM_001080779.2 (MANE Select); coding-DNA position 2383, G replaced by A.
Protein change: p.Val795Ile; replaces valine 795 with isoleucine.
Molecular consequence: missense variant.
Genome position (GRCh38, 1-based): chr17:1,470,318, C>T on the plus strand (G>A on the coding strand, the complement: MYO1C is on the minus strand). VCF-style: chr17-1470318-C-T. GRCh37 (hg19) VCF-style: chr17-1373612-C-T.
Other names: c.2326G>A, p.Val776Ile (NM_001080950.2); c.2311G>A, p.Val771Ile (NM_001363855.1); c.2278G>A, p.Val760Ile (NM_033375.5); short protein forms V760I, V795I, V776I, V771I.
Identifiers: ClinVar variation 508100 (VCV000508100.2), dbSNP rs8081370, ClinGen allele CA8267013.

ClinVar aggregate classification (germline): Benign. Review status: criteria provided, multiple submitters, no conflicts (2 of 4 stars). 2 submissions from 2 submitters: Benign (2). Last evaluated 2017-05-09.

Allele frequency attached by ClinVar (database versions not stated): 1000 Genomes Project 0.82089; 1000 Genomes Project 30x 0.82448; gnomAD exomes 0.84417; ExAC 0.86323; gnomAD 0.90358 and 0.91273; TOPMed 0.90401; ESP Exome Variant Server 0.93675.
gnomAD v4.1: 1,383,336 of 1,550,500 alleles (89%); highest among the groups gnomAD compares: African/African-American, 98%; 620,210 homozygotes.

Submissions (2):

GeneDx
Classification: Benign. Last evaluated: 2017-05-09. Review status: criteria provided, single submitter. Criteria: GeneDx Variant Classification (06012015). Collection method: clinical testing. Allele origin: germline. Affected: yes.
Comment: This variant is considered likely benign or benign based on one or more of the following criteria: it is a conservative change, it occurs at a poorly conserved position in the protein, it is predicted to be benign by multiple in silico algorithms, and/or has population frequency not consistent with disease.

Breakthrough Genomics
Classification: Benign. Review status: criteria provided, single submitter. Criteria: ACMG Guidelines, 2015. Collection method: not provided. Allele origin: germline. Inheritance: Unknown mechanism. Affected: yes.